The following is an entry in ClinVar:

ClinVar aggregate classification (germline): Likely pathogenic (1 of 4 stars; one submission).

Conditions:
Primary ciliary dyskinesia. Also called: Ciliary dyskinesia. Identifiers: Orphanet 244, MedGen C0008780, MONDO:0016575, HP:0012265.

gnomAD v4.1: 13 of 1,608,870 alleles (0.00081%); highest among the groups gnomAD compares: South Asian, 0.0011%; no homozygotes.

Submission:

Labcorp Genetics (formerly Invitae), Labcorp
Classification: Likely pathogenic for Primary ciliary dyskinesia. Last evaluated: 2024-09-21. Review status: criteria provided, single submitter. Criteria: Invitae Variant Classification Sherloc (09022015). Collection method: clinical testing. Allele origin: germline.
Comment: This sequence change affects a donor splice site in intron 3 of the RSPH4A gene. It is expected to disrupt RNA splicing. Variants that disrupt the donor or acceptor splice site typically lead to a loss of protein function (PMID: 16199547), and loss-of-function variants in RSPH4A are known to be pathogenic (PMID: 19200523). This variant is present in population databases (no rsID available, gnomAD 0.0009%). This variant has not been reported in the literature in individuals affected with RSPH4A-related conditions. Algorithms developed to predict the effect of sequence changes on RNA splicing suggest that this variant may disrupt the consensus splice site. In summary, the currently available evidence indicates that the variant is pathogenic, but additional data are needed to prove that conclusively. Therefore, this variant has been classified as Likely Pathogenic.

Literature cited by the submitters: PubMed 16199547; PubMed 19200523.

NM_001010892.3(RSPH4A):c.1662+2T>C

Gene: RSPH4A (radial spoke head component 4A; plus strand). Cytogenetic location: 6q22.1.
Variant type: single nucleotide variant.
Coding change: c.1662+2T>C on transcript NM_001010892.3 (MANE Select); the canonical splice donor site of the intron after coding-DNA position 1662, T replaced by C.
Molecular consequence: splice donor variant.
Genome position (GRCh38, 1-based): chr6:116,628,371, T>C. VCF-style: chr6-116628371-T-C. GRCh37 (hg19) VCF-style: chr6-116949534-T-C.
Other names: c.1662+2T>C (NM_001161664.2).
Identifiers: ClinVar variation 3624487 (VCV003624487.2).